The following is an entry in ClinVar:

NM_006073.4(TRDN):c.383C>G (p.Thr128Ser)

Gene: TRDN (triadin; minus strand). Cytogenetic location: 6q22.31.
Variant type: single nucleotide variant.
Coding change: c.383C>G on transcript NM_006073.4 (MANE Select); coding-DNA position 383, C replaced by G.
Protein change: p.Thr128Ser; replaces threonine 128 with serine.
Molecular consequence: missense variant.
Genome position (GRCh38, 1-based): chr6:123,548,462, G>C on the plus strand (C>G on the coding strand, the complement: TRDN is on the minus strand). VCF-style: chr6-123548462-G-C. GRCh37 (hg19) VCF-style: chr6-123869607-G-C.
Other names: c.383C>G, p.Thr128Ser (NM_001251987.2, NM_001256020.2, NM_001256021.2 and 1 more transcripts); short protein forms T128S.
Identifiers: ClinVar variation 227119 (VCV000227119.30), dbSNP rs9490809, ClinGen allele CA3984405.

ClinVar aggregate classification (germline): Benign/Likely benign. Review status: criteria provided, multiple submitters, no conflicts (2 of 4 stars). 12 submissions from 12 submitters: Benign (9); Likely benign (1). 2 of the submissions do not count toward it. Last evaluated 2026-02-04.

Conditions:
Cardiovascular phenotype. Identifiers: MedGen CN230736.
Catecholaminergic polymorphic ventricular tachycardia 5 (CARDAR). Also called: Ventricular tachycardia, catecholaminergic polymorphic, 5, with or without muscle weakness; CARDIAC ARRHYTHMIA SYNDROME, WITH OR WITHOUT SKELETAL MUSCLE WEAKNESS. Identifiers: Orphanet 3286, MedGen C3809536, MONDO:0014191, OMIM 615441.
Catecholaminergic polymorphic ventricular tachycardia 1. Also called: VENTRICULAR TACHYCARDIA, STRESS-INDUCED POLYMORPHIC 1; VENTRICULAR TACHYCARDIA, CATECHOLAMINERGIC POLYMORPHIC, 1, WITH OR WITHOUT ATRIAL DYSFUNCTION AND/OR DILATED CARDIOMYOPATHY; RYR2-Related Catecholaminergic Polymorphic Ventricular Tachycardia. Identifiers: Orphanet 3286, MedGen C1631597, MONDO:0011484, OMIM 604772.

Allele frequency attached by ClinVar (database versions not stated): gnomAD 0.50546; ESP Exome Variant Server 0.54124; gnomAD exomes 0.44186; TOPMed 0.48718; ExAC 0.49256; 1000 Genomes Project 0.39297; 1000 Genomes Project 30x 0.39991.
gnomAD v4.1: 791,166 of 1,556,642 alleles (51%); highest among the groups gnomAD compares: African/African-American, 54%; 207,684 homozygotes.

Submissions (12):

Labcorp Genetics (formerly Invitae), Labcorp
Classification: Benign for Catecholaminergic polymorphic ventricular tachycardia 1. Last evaluated: 2026-02-04. Review status: criteria provided, single submitter. Criteria: Invitae Variant Classification Sherloc (09022015). Collection method: clinical testing. Allele origin: germline.

Molecular Diagnostic Laboratory for Inherited Cardiovascular Disease, Montreal Heart Institute
Classification: Benign. Last evaluated: 2025-04-09. Review status: criteria provided, single submitter. Criteria: ACMG Guidelines, 2015. Collection method: clinical testing. Allele origin: germline. Affected: no.

Blueprint Genetics
Classification: Benign. Last evaluated: 2024-11-26. Review status: criteria provided, single submitter. Criteria: ACMG Guidelines, 2015. Collection method: clinical testing. Allele origin: germline.

Women's Health and Genetics/Laboratory Corporation of America, LabCorp
Classification: Likely benign. Last evaluated: 2023-04-04. Review status: criteria provided, single submitter. Criteria: LabCorp Variant Classification Summary - May 2015. Collection method: clinical testing. Allele origin: germline.

Mayo Clinic Laboratories, Mayo Clinic
Classification: Benign. Last evaluated: 2022-04-26. Review status: criteria provided, single submitter. Criteria: ACMG Guidelines, 2015. Collection method: clinical testing. Allele origin: germline. Observed: 610 variant alleles.

Genome-Nilou Lab
Classification: Benign for Catecholaminergic polymorphic ventricular tachycardia 5. Last evaluated: 2021-09-10. Review status: criteria provided, single submitter. Criteria: ACMG Guidelines, 2015. Collection method: clinical testing. Allele origin: germline. Affected: no.

GeneDx
Classification: Benign. Last evaluated: 2016-09-22. Review status: criteria provided, single submitter. Criteria: GeneDx Variant Classification (06012015). Collection method: clinical testing. Allele origin: germline. Affected: yes.
Comment: This variant is considered likely benign or benign based on one or more of the following criteria: it is a conservative change, it occurs at a poorly conserved position in the protein, it is predicted to be benign by multiple in silico algorithms, and/or has population frequency not consistent with disease.

Ambry Genetics
Classification: Benign for Cardiovascular phenotype. Last evaluated: 2015-03-09. Review status: criteria provided, single submitter. Criteria: Ambry Variant Classification Scheme 2023. Collection method: clinical testing. Allele origin: germline.

Laboratory for Molecular Medicine, Mass General Brigham Personalized Medicine
Classification: Benign. Last evaluated: 2014-11-24. Review status: criteria provided, single submitter. Criteria: LMM Criteria. Collection method: clinical testing. Allele origin: germline. Observed: 424 variant alleles.
Comment: Thr128Ser in exon 3 of TRDN: This variant is not expected to have clinical signi ficance because it has been identified in 46.3% (3802/8220) of European American chromosomes from a broad population by the NHLBI Exome Sequencing Project (dbSNP rs9490809).

PreventionGenetics, part of Exact Sciences
Classification: Benign. Review status: criteria provided, single submitter. Criteria: ACMG Guidelines, 2015. Collection method: clinical testing. Allele origin: germline.

Clinical Genetics, Academic Medical Center
Classification: Benign. Review status: no assertion criteria provided. Collection method: clinical testing. Allele origin: germline. Affected: yes. Study: VKGL Data-share Consensus. Not counted in ClinVar's aggregate classification.

Diagnostic Laboratory, Department of Genetics, University Medical Center Groningen
Classification: Benign. Review status: no assertion criteria provided. Collection method: clinical testing. Allele origin: germline. Affected: yes. Study: VKGL Data-share Consensus. Not counted in ClinVar's aggregate classification.